The following is an entry in ClinVar:

ClinVar aggregate classification (germline): Uncertain significance (1 of 4 stars; one submission).

Conditions:
Hereditary cancer-predisposing syndrome. Also called: Neoplastic Syndromes, Hereditary; Tumor predisposition; Hereditary neoplastic syndrome; Hereditary Cancer Syndrome. Identifiers: Orphanet 140162, MedGen C0027672, MeSH D009386, MONDO:0015356.

Submission:

Ambry Genetics
Classification: Uncertain significance for Hereditary cancer-predisposing syndrome. Last evaluated: 2026-07-06. Review status: criteria provided, single submitter. Criteria: Ambry Variant Classification Scheme 2023. Collection method: clinical testing. Allele origin: germline.
Comment: The p.T766R variant (also known as c.2297C>G), located in coding exon 22 of the RB1 gene, results from a C to G substitution at nucleotide position 2297. The threonine at codon 766 is replaced by arginine, an amino acid with similar properties. This amino acid position is conserved. In addition, this alteration is predicted to be deleterious by in silico analysis. Based on the available evidence, the clinical significance of this variant remains unclear.

NM_000321.3(RB1):c.2297C>G (p.Thr766Arg)

Gene: RB1 (RB transcriptional corepressor 1; plus strand). Cytogenetic location: 13q14.2.
Variant type: single nucleotide variant.
Coding change: c.2297C>G on transcript NM_000321.3 (MANE Select); coding-DNA position 2297, C replaced by G.
Protein change: p.Thr766Arg; replaces threonine 766 with arginine.
Molecular consequence: missense variant.
Genome position (GRCh38, 1-based): chr13:48,465,083, C>G. VCF-style: chr13-48465083-C-G. GRCh37 (hg19) VCF-style: chr13-49039219-C-G.
Other names: c.2297C>G, p.Thr766Arg (NM_001407165.1); short protein forms T766R.
Identifiers: ClinVar variation 5027945 (VCV005027945.1).